The following is an entry in ClinVar:

NM_006015.6(ARID1A):c.3682C>T (p.Pro1228Ser)

Genes: ARID1A (AT-rich interaction domain 1A; plus strand), LOC126805670 (CDK7 strongly-dependent group 2 enhancer GRCh37_chr1:27098665-27099864; plus strand). Cytogenetic location: 1p36.11.
Variant type: single nucleotide variant.
Coding change: c.3682C>T on transcript NM_006015.6 (MANE Select); coding-DNA position 3682, C replaced by T.
Protein change: p.Pro1228Ser; replaces proline 1228 with serine.
Molecular consequence: missense variant.
Genome position (GRCh38, 1-based): chr1:26,772,954, C>T. VCF-style: chr1-26772954-C-T. GRCh37 (hg19) VCF-style: chr1-27099445-C-T.
Other names: c.3682C>T, p.Pro1228Ser (NM_139135.4); short protein forms P1228S.
Identifiers: ClinVar variation 1695840 (VCV001695840.2), dbSNP rs2124107939, ClinGen allele CA339167875.

ClinVar aggregate classification (germline): Uncertain significance (1 of 4 stars; one submission).

Submission:

GeneDx
Classification: Uncertain significance. Last evaluated: 2022-06-10. Review status: criteria provided, single submitter. Criteria: GeneDx Variant Classification Process June 2021. Collection method: clinical testing. Allele origin: germline. Affected: yes.
Comment: Not observed at significant frequency in large population cohorts (gnomAD); In silico analysis supports that this missense variant has a deleterious effect on protein structure/function; Has not been previously published as pathogenic or benign to our knowledge